The following is an entry in ClinVar:

NM_002354.3(EPCAM):c.413G>A (p.Arg138Gln)

Gene: EPCAM (epithelial cell adhesion molecule; plus strand). Cytogenetic location: 2p21.
Variant type: single nucleotide variant.
Coding change: c.413G>A on transcript NM_002354.3 (MANE Select); coding-DNA position 413, G replaced by A.
Protein change: p.Arg138Gln; replaces arginine 138 with glutamine.
Molecular consequence: missense variant.
Genome position (GRCh38, 1-based): chr2:47,374,036, G>A. VCF-style: chr2-47374036-G-A. GRCh37 (hg19) VCF-style: chr2-47601175-G-A.
Other names: short protein forms R138Q.
Identifiers: ClinVar variation 2431898 (VCV002431898.4), dbSNP rs747098539, ClinGen allele CA1648970.
Genomic context (GRCh38, chr2:47,374,036, plus strand): 5'-GTGTGAACACTGCTGGGGTCAGAAGAACAGACAAGGACACTGAAATAACCTGCTCTGAGC[G>A]AGTGAGAACCTAGTGAGTGGGGCTGCCTATACTACTTGTTTTCATGCTGTTCAGATTCAT-3'
Protein context (NP_002345.2, residues 128-148): DKDTEITCSE[Arg138Gln]VRTYWIIIEL

ClinVar aggregate classification (germline): Uncertain significance. Review status: criteria provided, multiple submitters, no conflicts (2 of 4 stars). 3 submissions from 3 submitters: Uncertain significance (2). 1 of the submissions does not count toward it. Last evaluated 2023-08-17.

Conditions:
Lynch syndrome 8 (LYNCH8). Also called: Colorectal cancer, hereditary nonpolyposis, type 8. Identifiers: Orphanet 144, MedGen C2750471, MONDO:0013196, OMIM 613244.
EPCAM-related disorder. Also called: EPCAM-related condition.

Allele frequency attached by ClinVar (database versions not stated): ExAC 0.00001; gnomAD 0.00001; TOPMed 0.00002.
gnomAD v4.1: 6 of 1,614,078 alleles (0.00037%); highest among the groups gnomAD compares: East Asian, 0.0022%; no homozygotes.

Submissions (3):

St. Jude Molecular Pathology, St. Jude Children's Research Hospital
Classification: Uncertain significance for Lynch syndrome 8. Last evaluated: 2023-08-17. Review status: criteria provided, single submitter. Criteria: St. Jude Assertion Criteria 2020. Collection method: clinical testing. Allele origin: germline.
Comment: The EPCAM c.413G>A (p.Arg138Gln) missense variant has a maximum subpopulation frequency of 0.0008% in gnomAD v2.1.1. The in silico tool REVEL predicts a benign effect on protein function, but to our knowledge this prediction has not been confirmed by functional studies. To our knowledge, this variant has not been reported in individuals with EPCAM-related disease. In summary, the evidence currently available is insufficient to determine the clinical significance of this variant. It has therefore been classified as of uncertain significance.

Laboratorio de Genetica e Diagnostico Molecular, Hospital Israelita Albert Einstein
Classification: Uncertain significance for Lynch syndrome 8. Last evaluated: 2022-04-26. Review status: criteria provided, single submitter. Criteria: ACMG Guidelines, 2015. Collection method: clinical testing. Allele origin: germline. Affected: yes. Observed: 1 variant allele.
Comment: ACMG classification criteria: PM2 moderated, BP4 supporting

PreventionGenetics, part of Exact Sciences
Classification: Uncertain significance for EPCAM-related condition. Last evaluated: 2023-11-27. Review status: no assertion criteria provided. Collection method: clinical testing. Allele origin: germline. Not counted in ClinVar's aggregate classification.
Comment: The EPCAM c.413G>A variant is predicted to result in the amino acid substitution p.Arg138Gln. To our knowledge, this variant has not been reported in the literature. This variant is reported in 0.00088% of alleles in individuals of European (Non-Finnish) descent in gnomAD. At this time, the clinical significance of this variant is uncertain due to the absence of conclusive functional and genetic evidence.